The following is an entry in ClinVar:

NM_013444.4(UBQLN2):c.1486A>G (p.Thr496Ala)

Gene: UBQLN2 (ubiquilin 2; plus strand). Cytogenetic location: Xp11.21.
Variant type: single nucleotide variant.
Coding change: c.1486A>G on transcript NM_013444.4 (MANE Select); coding-DNA position 1486, A replaced by G.
Protein change: p.Thr496Ala; replaces threonine 496 with alanine.
Molecular consequence: missense variant.
Genome position (GRCh38, 1-based): chrX:56,565,359, A>G. VCF-style: chrX-56565359-A-G. GRCh37 (hg19) VCF-style: chrX-56591792-A-G.
Other names: short protein forms T496A.
Identifiers: ClinVar variation 1471820 (VCV001471820.8), dbSNP rs2146636525, ClinGen allele CA413380668.

ClinVar aggregate classification (germline): Uncertain significance (1 of 4 stars; one submission).

Conditions:
Amyotrophic lateral sclerosis type 15. Also called: AMYOTROPHIC LATERAL SCLEROSIS 15 WITH FRONTOTEMPORAL DEMENTIA. Identifiers: Orphanet 803, MedGen C3275459, MONDO:0010459, OMIM 300857.

Submission:

Labcorp Genetics (formerly Invitae), Labcorp
Classification: Uncertain significance for Amyotrophic lateral sclerosis type 15. Last evaluated: 2022-08-09. Review status: criteria provided, single submitter. Criteria: Invitae Variant Classification Sherloc (09022015). Collection method: clinical testing. Allele origin: germline.
Comment: Experimental studies and prediction algorithms are not available or were not evaluated, and the functional significance of this variant is currently unknown. In summary, the available evidence is currently insufficient to determine the role of this variant in disease. Therefore, it has been classified as a Variant of Uncertain Significance. ClinVar contains an entry for this variant (Variation ID: 1471820). This variant has not been reported in the literature in individuals affected with UBQLN2-related conditions. This variant is not present in population databases (gnomAD no frequency). This sequence change replaces threonine, which is neutral and polar, with alanine, which is neutral and non-polar, at codon 496 of the UBQLN2 protein (p.Thr496Ala).